The following is an entry in ClinVar:

ClinVar aggregate classification (germline): Conflicting classifications of pathogenicity. Review status: criteria provided, conflicting classifications (1 of 4 stars). 3 submissions from 3 submitters: Uncertain significance (2); Likely benign (1). Last evaluated 2025-11-24.

Allele frequency attached by ClinVar (database versions not stated): ESP Exome Variant Server 0.00008; gnomAD 0.00013; ExAC 0.00014; TOPMed 0.00023; gnomAD exomes 0.00030.
gnomAD v4.1: 455 of 1,614,108 alleles (0.028%); highest among the groups gnomAD compares: Non-Finnish European, 0.036%; no homozygotes.

Submissions (3):

Labcorp Genetics (formerly Invitae), Labcorp
Classification: Uncertain significance. Last evaluated: 2025-11-24. Review status: criteria provided, single submitter. Criteria: Invitae Variant Classification Sherloc (09022015). Collection method: clinical testing. Allele origin: germline.
Comment: This sequence change replaces leucine, which is neutral and non-polar, with arginine, which is basic and polar, at codon 2704 of the FAT2 protein (p.Leu2704Arg). This variant is present in population databases (rs202059952, gnomAD 0.03%). This variant has not been reported in the literature in individuals affected with FAT2-related conditions. ClinVar contains an entry for this variant (Variation ID: 2062883). Invitae Evidence Modeling of protein sequence and biophysical properties (such as structural, functional, and spatial information, amino acid conservation, physicochemical variation, residue mobility, and thermodynamic stability) indicates that this missense variant is not expected to disrupt FAT2 protein function with a negative predictive value of 80%. In summary, the available evidence is currently insufficient to determine the role of this variant in disease. Therefore, it has been classified as a Variant of Uncertain Significance.

Ambry Genetics
Classification: Uncertain significance. Last evaluated: 2024-10-03. Review status: criteria provided, single submitter. Criteria: Ambry Variant Classification Scheme 2023. Collection method: clinical testing. Allele origin: germline.

CeGaT Center for Human Genetics Tuebingen
Classification: Likely benign. Last evaluated: 2024-06-01. Review status: criteria provided, single submitter. Criteria: CeGaT Center For Human Genetics Tuebingen Variant Classification Criteria Version 2. Collection method: clinical testing. Allele origin: germline. Affected: yes. Observed: 1 variant allele.
Comment: FAT2: BP4

NM_001447.3(FAT2):c.8111T>G (p.Leu2704Arg)

Genes: FAT2 (FAT atypical cadherin 2; minus strand), SLC36A1 (solute carrier family 36 member 1; plus strand). Cytogenetic location: 5q33.1.
Variant type: single nucleotide variant.
Coding change: c.8111T>G on transcript NM_001447.3 (MANE Select); coding-DNA position 8111, T replaced by G.
Protein change: p.Leu2704Arg; replaces leucine 2704 with arginine.
Molecular consequence: missense variant.
Genome position (GRCh38, 1-based): chr5:151,543,016, A>C on the plus strand (T>G on the coding strand, the complement: FAT2 is on the minus strand). VCF-style: chr5-151543016-A-C. GRCh37 (hg19) VCF-style: chr5-150922577-A-C.
Other names: c.8111T>G (NM_001447.2); short protein forms L2704R.
Identifiers: ClinVar variation 2062883 (VCV002062883.23), dbSNP rs202059952, ClinGen allele CA3520851.